The following is an entry in ClinVar:

ClinVar aggregate classification (germline): Pathogenic (1 of 4 stars; one submission).

Conditions:
Cardiovascular phenotype. Identifiers: MedGen CN230736.

gnomAD v4.1: 2 of 1,549,460 alleles (0.00013%); highest among the groups gnomAD compares: South Asian, 0.0012%; no homozygotes.

Submission:

Ambry Genetics
Classification: Pathogenic for Cardiovascular phenotype. Last evaluated: 2024-06-13. Review status: criteria provided, single submitter. Criteria: Ambry Variant Classification Scheme 2023. Collection method: clinical testing. Allele origin: germline.
Comment: The p.E760* pathogenic mutation (also known as c.2278G>T), located in coding exon 15 of the FLNC gene, results from a G to T substitution at nucleotide position 2278. This changes the amino acid from a glutamic acid to a stop codon within coding exon 15. This variant is considered to be rare based on population cohorts in the Genome Aggregation Database (gnomAD). This alteration is expected to result in loss of function by premature protein truncation or nonsense-mediated mRNA decay. As such, this alteration is interpreted as a disease-causing mutation for FLNC-related dilated cardiomyopathy; however, its clinical significance for FLNC-related hypertrophy/restrictive cardiomyopathy and/or skeletal myopathy is uncertain.

NM_001458.5(FLNC):c.2278G>T (p.Glu760Ter)

Gene: FLNC (filamin C; plus strand). Cytogenetic location: 7q32.1.
Variant type: single nucleotide variant.
Coding change: c.2278G>T on transcript NM_001458.5 (MANE Select); coding-DNA position 2278, G replaced by T.
Protein change: p.Glu760Ter; replaces glutamic acid 760 with a stop codon.
Molecular consequence: nonsense.
Genome position (GRCh38, 1-based): chr7:128,842,587, G>T. VCF-style: chr7-128842587-G-T. GRCh37 (hg19) VCF-style: chr7-128482641-G-T.
Other names: c.2278G>T, p.Glu760Ter (NM_001127487.2); short protein forms E760*.
Identifiers: ClinVar variation 3279228 (VCV003279228.1).